The following is an entry in ClinVar:

NM_012471.3(TRPC5):c.2591T>C (p.Met864Thr)

Gene: TRPC5 (transient receptor potential cation channel subfamily C member 5; minus strand). Cytogenetic location: Xq23.
Variant type: single nucleotide variant.
Coding change: c.2591T>C on transcript NM_012471.3 (MANE Select); coding-DNA position 2591, T replaced by C.
Protein change: p.Met864Thr; replaces methionine 864 with threonine.
Molecular consequence: missense variant.
Genome position (GRCh38, 1-based): chrX:111,776,644, A>G on the plus strand (T>C on the coding strand, the complement: TRPC5 is on the minus strand). VCF-style: chrX-111776644-A-G. GRCh37 (hg19) VCF-style: chrX-111019872-A-G.
Other names: short protein forms M864T.
Identifiers: ClinVar variation 4995495 (VCV004995495.1).

ClinVar aggregate classification (germline): Uncertain significance (1 of 4 stars; one submission).

Conditions:
TRPC5-related disorder. Also called: TRPC5-related condition.

Submission:

PreventionGenetics, part of Exact Sciences
Classification: Uncertain significance for TRPC5-related condition. Last evaluated: 2025-09-29. Review status: criteria provided, single submitter. Criteria: ACMG Guidelines, 2015. Collection method: clinical testing. Allele origin: germline.
Comment: The TRPC5 c.2591T>C variant is predicted to result in the amino acid substitution p.Met864Thr. To our knowledge, this variant has not been reported in the literature or in a large population database (gnomAD), indicating this variant is rare. At this time, the clinical significance of this variant is uncertain due to the absence of conclusive functional and genetic evidence.